The following is an entry in ClinVar:

NM_144997.7(FLCN):c.618G>A (p.Lys206=)

Gene: FLCN (folliculin; minus strand). Cytogenetic location: 17p11.2.
Variant type: single nucleotide variant.
Coding change: c.618G>A on transcript NM_144997.7 (MANE Select); coding-DNA position 618, G replaced by A.
Protein change: p.Lys206=; no amino-acid change (lysine 206 retained).
Molecular consequence: synonymous variant.
Genome position (GRCh38, 1-based): chr17:17,223,922, C>T on the plus strand (G>A on the coding strand, the complement: FLCN is on the minus strand). VCF-style: chr17-17223922-C-T. GRCh37 (hg19) VCF-style: chr17-17127236-C-T.
Other names: c.672G>A, p.Lys224= (NM_001353229.2); c.618G>A, p.Lys206= (NM_001353230.2, NM_001353231.2, NM_144606.7).
Identifiers: ClinVar variation 962490 (VCV000962490.7), dbSNP rs2047170110, ClinGen allele CA498165951.
Genomic context (GRCh38, chr17:17,223,922, plus strand): 5'-CAGAGCGGCTCATGCAGTGCAGGGCCCCCTGCCGCCCCGGCACCTCATCTCTGAATTCAC[C>T]TTGAGCGCCTTGCCCTGGAGCTCATCGATGATTCCCCGGACCTTCCCCAGCAGGAAGGGC-3'
Protein context (NP_659434.2, residues 196-216): IIDELQGKAL[Lys206=]VFEAEQFGCP

ClinVar aggregate classification (germline): Uncertain significance (1 of 4 stars; one submission).

Conditions:
Birt-Hogg-Dube syndrome. Also called: Birt Hogg Dubé syndrome. Identifiers: Orphanet 122, MedGen C0346010, MONDO:0800444.

Submission:

Labcorp Genetics (formerly Invitae), Labcorp
Classification: Uncertain significance for Birt-Hogg-Dube syndrome. Last evaluated: 2025-10-06. Review status: criteria provided, single submitter. Criteria: Invitae Variant Classification Sherloc (09022015). Collection method: clinical testing. Allele origin: germline.
Comment: This sequence change affects codon 206 of the FLCN mRNA. It is a 'silent' change, meaning that it does not change the encoded amino acid sequence of the FLCN protein. This variant also falls at the last nucleotide of exon 6, which is part of the consensus splice site for this exon. This variant is not present in population databases (gnomAD no frequency). This variant has not been reported in the literature in individuals affected with FLCN-related conditions. ClinVar contains an entry for this variant (Variation ID: 962490). Variants that disrupt the consensus splice site are a relatively common cause of aberrant splicing (PMID: 17576681, 9536098). Algorithms developed to predict the effect of sequence changes on RNA splicing suggest that this variant may disrupt the consensus splice site. In summary, the available evidence is currently insufficient to determine the role of this variant in disease. Therefore, it has been classified as a Variant of Uncertain Significance.

Literature cited by the submitters: PubMed 17576681; PubMed 9536098.